The following is an entry in ClinVar:

NM_001110556.2(FLNA):c.4945+12C>T

Gene: FLNA (filamin A; minus strand). Cytogenetic location: Xq28.
Variant type: single nucleotide variant.
Coding change: c.4945+12C>T on transcript NM_001110556.2 (MANE Select); 12 bases into the intron after coding-DNA position 4945, C replaced by T.
Molecular consequence: intron variant.
Genome position (GRCh38, 1-based): chrX:154,357,422, G>A on the plus strand (C>T on the coding strand, the complement: FLNA is on the minus strand). VCF-style: chrX-154357422-G-A. GRCh37 (hg19) VCF-style: chrX-153585790-G-A.
Other names: c.4945+12C>T (NM_001456.4).
Identifiers: ClinVar variation 213450 (VCV000213450.11), dbSNP rs370899661, ClinGen allele CA323821.

ClinVar aggregate classification (germline): Benign/Likely benign. Review status: criteria provided, multiple submitters, no conflicts (2 of 4 stars). 4 submissions from 4 submitters: Benign (1); Likely benign (3). Last evaluated 2026-03-15.

Conditions:
Melnick-Needles syndrome (MNS). Also called: MELNICK-NEEDLES OSTEODYSPLASTY; OSTEODYSPLASTY OF MELNICK AND NEEDLES; Melnick-Needles Syndrome (FLNA-MNS). Identifiers: Orphanet 2484, MedGen C0025237, MONDO:0010650, OMIM 309350.
Oto-palato-digital syndrome, type II (OPD2). Also called: Otopalatodigital Syndrome, Type II; FACIOPALATOOSSEOUS SYNDROME; OPD II SYNDROME; Otopalatodigital Syndrome Type 2 (FLNA-OPD2). Identifiers: Orphanet 669, Orphanet 90652, MedGen C1844696, MONDO:0010571, OMIM 304120.
Heterotopia, periventricular, X-linked dominant (PVNH1). Also called: PERIVENTRICULAR NODULAR HETEROTOPIA 1; X-linked periventricular heterotopia; PERIVENTRICULAR NODULAR HETEROTOPIA 4; HETEROTOPIA, PERIVENTRICULAR, 1. Identifiers: Orphanet 2149, Orphanet 82004, MedGen C1848213, MONDO:0010233, OMIM 300049.
Frontometaphyseal dysplasia (FMD1). Identifiers: Orphanet 1826, MedGen C0265293, MONDO:0015942.

Allele frequency attached by ClinVar (database versions not stated): ExAC 0.00004; gnomAD exomes 0.00005 and 0.00015; gnomAD 0.00006 and 0.00007; TOPMed 0.00006; ESP Exome Variant Server 0.00010.
gnomAD v4.1: 167 of 1,203,717 alleles (0.014%); highest among the groups gnomAD compares: Non-Finnish European, 0.015%; no homozygotes.

Submissions (4):

Women's Health and Genetics/Laboratory Corporation of America, LabCorp
Classification: Likely benign. Last evaluated: 2026-03-15. Review status: criteria provided, single submitter. Criteria: LabCorp Variant Classification Summary - May 2015. Collection method: clinical testing. Allele origin: germline.

Labcorp Genetics (formerly Invitae), Labcorp
Classification: Likely benign for Oto-palato-digital syndrome, type II; Heterotopia, periventricular, X-linked dominant; Frontometaphyseal dysplasia; Melnick-Needles syndrome. Last evaluated: 2025-12-31. Review status: criteria provided, single submitter. Criteria: Invitae Variant Classification Sherloc (09022015). Collection method: clinical testing. Allele origin: germline.

Blueprint Genetics
Classification: Likely benign. Last evaluated: 2023-02-13. Review status: criteria provided, single submitter. Criteria: ACMG Guidelines, 2015. Collection method: clinical testing. Allele origin: germline.

GeneDx
Classification: Benign. Last evaluated: 2015-05-22. Review status: criteria provided, single submitter. Criteria: GeneDx Variant Classification (06012015). Collection method: clinical testing. Allele origin: germline. Affected: yes.
Comment: This variant is considered likely benign or benign based on one or more of the following criteria: it is a conservative change, it occurs at a poorly conserved position in the protein, it is predicted to be benign by multiple in silico algorithms, and/or has population frequency not consistent with disease.